The following is an entry in ClinVar:

NM_016363.5(GP6):c.416G>A (p.Gly139Asp)

Gene: GP6 (glycoprotein VI platelet; minus strand). Cytogenetic location: 19q13.42.
Variant type: single nucleotide variant.
Coding change: c.416G>A on transcript NM_016363.5 (MANE Select); coding-DNA position 416, G replaced by A.
Protein change: p.Gly139Asp; replaces glycine 139 with aspartic acid.
Molecular consequence: missense variant.
Genome position (GRCh38, 1-based): chr19:55,027,772, C>T on the plus strand (G>A on the coding strand, the complement: GP6 is on the minus strand). VCF-style: chr19-55027772-C-T. GRCh37 (hg19) VCF-style: chr19-55539140-C-T.
Other names: c.416G>A, p.Gly139Asp (NM_001083899.2, NM_001256017.2); short protein forms G139D.
Identifiers: ClinVar variation 2055378 (VCV002055378.4), dbSNP rs2514196794, ClinGen allele CA407487835.
Genomic context (GRCh38, chr19:55,027,772, plus strand): 5'-CTCTCGGGATTCTTGTAGGGCGCAGGGTCCCCTTCCTTGTACAGAGCAAATTGGTCAAAG[C>T]CATACCGAGTCTGACACTGTAGGGTTACGTCCCCTCCTGACGACACCGCCGGGCCGGGCT-3'
Protein context (NP_057447.5, residues 129-149): DVTLQCQTRY[Gly139Asp]FDQFALYKEG

ClinVar aggregate classification (germline): Uncertain significance (1 of 4 stars; one submission).

Submission:

Labcorp Genetics (formerly Invitae), Labcorp
Classification: Uncertain significance. Last evaluated: 2022-07-14. Review status: criteria provided, single submitter. Criteria: Invitae Variant Classification Sherloc (09022015). Collection method: clinical testing. Allele origin: germline.
Comment: This sequence change replaces glycine, which is neutral and non-polar, with aspartic acid, which is acidic and polar, at codon 139 of the GP6 protein (p.Gly139Asp). This variant is not present in population databases (gnomAD no frequency). This variant has not been reported in the literature in individuals affected with GP6-related conditions. Algorithms developed to predict the effect of missense changes on protein structure and function (SIFT, PolyPhen-2, Align-GVGD) all suggest that this variant is likely to be tolerated. In summary, the available evidence is currently insufficient to determine the role of this variant in disease. Therefore, it has been classified as a Variant of Uncertain Significance.